The following is an entry in ClinVar:

ClinVar aggregate classification (germline): Uncertain significance (1 of 4 stars; one submission).

Conditions:
Peutz-Jeghers syndrome (PJS). Also called: POLYPOSIS, HAMARTOMATOUS INTESTINAL; POLYPS-AND-SPOTS SYNDROME; Peutz-Jeghers polyposis; Periorificial lentiginosis syndrome. Identifiers: Orphanet 2869, MedGen C0031269, MeSH D010580, MONDO:0008280, OMIM 175200.

Submission:

Labcorp Genetics (formerly Invitae), Labcorp
Classification: Uncertain significance for Peutz-Jeghers syndrome. Last evaluated: 2023-04-04. Review status: criteria provided, single submitter. Criteria: Invitae Variant Classification Sherloc (09022015). Collection method: clinical testing. Allele origin: germline.
Comment: This sequence change falls in intron 6 of the STK11 gene. It does not directly change the encoded amino acid sequence of the STK11 protein. It affects a nucleotide within the consensus splice site. In summary, the available evidence is currently insufficient to determine the role of this variant in disease. Therefore, it has been classified as a Variant of Uncertain Significance. Variants that disrupt the consensus splice site are a relatively common cause of aberrant splicing (PMID: 17576681, 9536098). Algorithms developed to predict the effect of sequence changes on RNA splicing suggest that this variant may create or strengthen a splice site. ClinVar contains an entry for this variant (Variation ID: 848895). This variant has not been reported in the literature in individuals affected with STK11-related conditions. This variant is not present in population databases (gnomAD no frequency).

Literature cited by the submitters: PubMed 17576681; PubMed 9536098.

NM_000455.5(STK11):c.862+5G>T

Gene: STK11 (serine/threonine kinase 11; plus strand). Cytogenetic location: 19p13.3.
Variant type: single nucleotide variant.
Coding change: c.862+5G>T on transcript NM_000455.5 (MANE Select); 5 bases into the intron after coding-DNA position 862, G replaced by T.
Molecular consequence: intron variant.
Genome position (GRCh38, 1-based): chr19:1,221,345, G>T. VCF-style: chr19-1221345-G-T. GRCh37 (hg19) VCF-style: chr19-1221344-G-T.
Identifiers: ClinVar variation 848895 (VCV000848895.7), dbSNP rs2080783109, ClinGen allele CA916081948.